The following is an entry in ClinVar:

ClinVar aggregate classification (germline): Pathogenic. Review status: criteria provided, single submitter (1 of 4 stars). 2 submissions from 2 submitters: Pathogenic (1). 1 of the submissions does not count toward it. Last evaluated 2019-12-22.

Conditions:
Dilated cardiomyopathy 1HH (CMD1HH). Identifiers: Orphanet 154, MedGen C3151293, MONDO:0013479, OMIM 613881.
Myofibrillar myopathy 6. Identifiers: Orphanet 199340, MedGen C2751831, MONDO:0013061, OMIM 612954.

Submissions (2):

Labcorp Genetics (formerly Invitae), Labcorp
Classification: Pathogenic for Dilated cardiomyopathy 1HH; Myofibrillar myopathy 6. Last evaluated: 2019-12-22. Review status: criteria provided, single submitter. Criteria: Invitae Variant Classification Sherloc (09022015). Collection method: clinical testing. Allele origin: germline.
Comment: This variant has not been reported in the literature in individuals with BAG3-related conditions. This variant is not present in population databases (ExAC no frequency). This sequence change results in a premature translational stop signal in the BAG3 gene (p.Pro325Glnfs*17). While this is not anticipated to result in nonsense mediated decay, it is expected to disrupt the last 251 amino acids of the BAG3 protein. This variant disrupts the C-terminus of the BAG3 protein. Other variant(s) that disrupt this region (p.Glu414*, p.Tyr441*) have been determined to be pathogenic (PMID: 25008357, Invitae). This suggests that variants that disrupt this region of the protein are likely to be causative of disease. For these reasons, this variant has been classified as Pathogenic.

KTest Genetics, KTest
Classification: Pathogenic for Dilated cardiomyopathy 1HH. Review status: no assertion criteria provided. Criteria: ACMG Guidelines, 2015. Collection method: clinical testing. Allele origin: germline. Affected: yes. Not counted in ClinVar's aggregate classification.

Literature cited by the submitters: PubMed 25008357 (cited by Labcorp Genetics (formerly Invitae), Labcorp).

NM_004281.4(BAG3):c.974del (p.Pro325fs)

Gene: BAG3 (BAG cochaperone 3; plus strand). Cytogenetic location: 10q26.11.
Variant type: Deletion.
Coding change: c.974del on transcript NM_004281.4 (MANE Select); coding-DNA position 974, one base deleted (C; older notation c.974delC).
Protein change: p.Pro325fs; shifts the reading frame from proline 325.
Molecular consequence: frameshift variant.
Genome position (GRCh38, 1-based): chr10:119,676,528, C deleted; the last of 2 consecutive C bases (chr10:119,676,527-119,676,528); deleting either gives the same sequence. VCF-style (leftmost placement, unchanged base first): chr10-119676526-GC-G. GRCh37 (hg19) VCF-style: chr10-121436038-GC-G.
Other names: c.974delC (NM_004281.3); short protein forms P325fs.
Identifiers: ClinVar variation 854159 (VCV000854159.12), dbSNP rs1847236575, ClinGen allele CA916082337.
Genomic context (GRCh38, chr10:119,676,526, plus strand): 5'-GCCCATGACCCATCGAGAAACTGCACCTGTTTCCCAGCCTGAAAACAAACCAGAAAGTAA[GC>G]CAGGCCCAGTTGGACCAGAACTCCCTCCTGGACACATCCCAATTCAAGTGATCCGCAAAG-3'